The following is an entry in ClinVar:

NM_001048174.2(MUTYH):c.1046del (p.Leu349fs)

Gene: MUTYH (mutY DNA glycosylase; minus strand). Cytogenetic location: 1p34.1.
Variant type: Deletion.
Coding change: c.1046del on transcript NM_001048174.2 (MANE Select); coding-DNA position 1046, one base deleted (T; older notation c.1046delT).
Protein change: p.Leu349fs; shifts the reading frame from leucine 349.
Molecular consequence: frameshift variant. On other transcripts: non-coding transcript variant (2).
Genome position (GRCh38, 1-based): chr1:45,331,717, A deleted on the plus strand (T on the coding strand, the reverse complement: MUTYH is on the minus strand). VCF-style (leftmost placement, unchanged base first): chr1-45331716-CA-C. GRCh37 (hg19) VCF-style: chr1-45797388-CA-C.
Other names: c.1046del, p.Leu349fs (NM_001048171.2, NM_001048173.2, NM_001293195.2); c.1049del, p.Leu350fs (NM_001048172.2); c.1130del, p.Leu377fs (NM_001128425.2); c.1091del, p.Leu364fs (NM_001293190.2); c.1079del, p.Leu360fs (NM_001293191.2); c.770del, p.Leu257fs (NM_001293192.2, NM_001293196.2); c.701del, p.Leu234fs (NM_001350650.2, NM_001350651.2); c.1121del, p.Leu374fs (NM_012222.3); short protein forms L234fs, L257fs, L349fs, L350fs, L360fs, L364fs, L374fs, L377fs.
Identifiers: ClinVar variation 1692569 (VCV001692569.1), dbSNP rs2149126191, ClinGen allele CA2573132012.

ClinVar aggregate classification (germline): Likely pathogenic (1 of 4 stars; one submission).

Conditions:
Hereditary cancer-predisposing syndrome. Also called: Hereditary Cancer Syndrome; Hereditary neoplastic syndrome; Neoplastic Syndromes, Hereditary; Tumor predisposition. Identifiers: Orphanet 140162, MedGen C0027672, MeSH D009386, MONDO:0015356.

Submission:

Sema4
Classification: Likely pathogenic for Hereditary cancer-predisposing syndrome. Last evaluated: 2022-03-06. Review status: criteria provided, single submitter. Criteria: Sema4 Curation Guidelines. Collection method: curation. Allele origin: germline.
Comment: The MUTYH c.1130delT (p.L377RfsX31) variant has not been reported in the literature to our knowledge. This variant causes a frameshift at amino acid 377 that results in premature termination 20 amino acids downstream. At this location, this is predicted to cause nonsense-mediated decay and result in an absent protein (loss of function). Loss-of-function variants in MUTYH are known to be pathogenic (PMID: 20663686, 18534194). This variant is not reported in the Genome Aggregation Database (PMID: 32461654). This variant has not been reported in ClinVar. Based on the current evidence available, this variant is interpreted as likely pathogenic.

Literature cited by the submitters: PubMed 20663686; PubMed 18534194.